The following is an entry in ClinVar:

ClinVar aggregate classification (germline): Uncertain significance (1 of 4 stars; one submission).

Conditions:
Maple syrup urine disease (MSUD). Identifiers: Orphanet 511, MedGen C0024776, MeSH D008375, MONDO:0009563. Disease mechanism: loss of function.

Submission:

Labcorp Genetics (formerly Invitae), Labcorp
Classification: Uncertain significance for Maple syrup urine disease. Last evaluated: 2022-05-27. Review status: criteria provided, single submitter. Criteria: Invitae Variant Classification Sherloc (09022015). Collection method: clinical testing. Allele origin: germline.
Comment: This sequence change replaces threonine, which is neutral and polar, with alanine, which is neutral and non-polar, at codon 459 of the DBT protein (p.Thr459Ala). This variant is not present in population databases (gnomAD no frequency). This variant has not been reported in the literature in individuals affected with DBT-related conditions. Advanced modeling of protein sequence and biophysical properties (such as structural, functional, and spatial information, amino acid conservation, physicochemical variation, residue mobility, and thermodynamic stability) performed at Invitae indicates that this missense variant is not expected to disrupt DBT protein function. In summary, the available evidence is currently insufficient to determine the role of this variant in disease. Therefore, it has been classified as a Variant of Uncertain Significance.

NM_001918.5(DBT):c.1375A>G (p.Thr459Ala)

Gene: DBT (dihydrolipoamide branched chain transacylase E2; minus strand). Cytogenetic location: 1p21.2.
Variant type: single nucleotide variant.
Coding change: c.1375A>G on transcript NM_001918.5 (MANE Select); coding-DNA position 1375, A replaced by G.
Protein change: p.Thr459Ala; replaces threonine 459 with alanine.
Molecular consequence: missense variant. On other transcripts: non-coding transcript variant (4).
Genome position (GRCh38, 1-based): chr1:100,196,329, T>C on the plus strand (A>G on the coding strand, the complement: DBT is on the minus strand). VCF-style: chr1-100196329-T-C. GRCh37 (hg19) VCF-style: chr1-100661885-T-C.
Other names: c.832A>G, p.Thr278Ala (NM_001399969.1, NM_001399972.1); short protein forms T459A, T278A.
Identifiers: ClinVar variation 1999496 (VCV001999496.4), dbSNP rs2524063344, ClinGen allele CA341351467.
Genomic context (GRCh38, chr1:100,196,329, plus strand): 5'-GTAGCATAAAAGCTGGGTTTTCTAAATAGGATTTCCACAAATTGGAGAAGCGTGACATTG[T>C]AGCACCATCAATAACTCTGTGATCAGCTGACCAGCTCACATTCATTATCTGTGCCTTATA-3'
Protein context (NP_001909.4, residues 449-469): SADHRVIDGA[Thr459Ala]MSRFSNLWKS